The following is an entry in ClinVar:

NM_001371727.1(GABRB2):c.901T>C (p.Tyr301His)

Gene: GABRB2 (gamma-aminobutyric acid type A receptor subunit beta2; minus strand). Cytogenetic location: 5q34.
Variant type: single nucleotide variant.
Coding change: c.901T>C on transcript NM_001371727.1 (MANE Select); coding-DNA position 901, T replaced by C.
Protein change: p.Tyr301His; replaces tyrosine 301 with histidine.
Molecular consequence: missense variant.
Genome position (GRCh38, 1-based): chr5:161,331,059, A>G on the plus strand (T>C on the coding strand, the complement: GABRB2 is on the minus strand). VCF-style: chr5-161331059-A-G. GRCh37 (hg19) VCF-style: chr5-160758066-A-G.
Other names: c.901T>C, p.Tyr301His (NM_000813.3, NM_021911.3); short protein forms Y301H.
Identifiers: ClinVar variation 1499049 (VCV001499049.8), dbSNP rs2113397784, ClinGen allele CA362175381.

ClinVar aggregate classification (germline): Likely pathogenic (1 of 4 stars; one submission).

Conditions:
Intellectual disability. Also called: Intellectual functioning disability; Intellectual developmental disorder; intellectual disabilities. Identifiers: MedGen C3714756, MeSH D008607, MONDO:0001071, HP:0001249.

Submission:

Labcorp Genetics (formerly Invitae), Labcorp
Classification: Likely pathogenic for Intellectual disability. Last evaluated: 2025-01-05. Review status: criteria provided, single submitter. Criteria: Invitae Variant Classification Sherloc (09022015). Collection method: clinical testing. Allele origin: germline.
Comment: This sequence change replaces tyrosine, which is neutral and polar, with histidine, which is basic and polar, at codon 301 of the GABRB2 protein (p.Tyr301His). This variant is not present in population databases (gnomAD no frequency). This variant has not been reported in the literature in individuals affected with GABRB2-related conditions. ClinVar contains an entry for this variant (Variation ID: 1499049). Invitae Evidence Modeling of protein sequence and biophysical properties (such as structural, functional, and spatial information, amino acid conservation, physicochemical variation, residue mobility, and thermodynamic stability) indicates that this missense variant is expected to disrupt GABRB2 protein function with a positive predictive value of 95%. This variant disrupts the p.Tyr301 amino acid residue in GABRB2. Other variant(s) that disrupt this residue have been determined to be pathogenic (internal data). This suggests that this residue is clinically significant, and that variants that disrupt this residue are likely to be disease-causing. In summary, the currently available evidence indicates that the variant is pathogenic, but additional data are needed to prove that conclusively. Therefore, this variant has been classified as Likely Pathogenic.